The following is an entry in ClinVar:

NM_207111.4(RNF216):c.990G>A (p.Gly330=)

Gene: RNF216 (ring finger protein 216; minus strand). Cytogenetic location: 7p22.1.
Variant type: single nucleotide variant.
Coding change: c.990G>A on transcript NM_207111.4 (MANE Select); coding-DNA position 990, G replaced by A.
Protein change: p.Gly330=; no amino-acid change (glycine 330 retained).
Molecular consequence: synonymous variant.
Genome position (GRCh38, 1-based): chr7:5,741,027, C>T on the plus strand (G>A on the coding strand, the complement: RNF216 is on the minus strand). VCF-style: chr7-5741027-C-T. GRCh37 (hg19) VCF-style: chr7-5780658-C-T.
Other names: c.819G>A, p.Gly273= (NM_001377156.1, NM_207116.3).
Identifiers: ClinVar variation 3055215 (VCV003055215.4), dbSNP rs145070983, ClinGen allele CA4148397.
Genomic context (GRCh38, chr7:5,741,027, plus strand): 5'-ACTTACCGTTTCTTTCACTAGTAGTTCAACGAGCTCTTGATCTACCTCTGCAGCTTCTTG[C>T]CCCCAAATGTTTTCCAAATTGGGCTCTTGAGATTCTTGCATTGGAAAGGCTGGACCTGGC-3'
Protein context (NP_996994.1, residues 320-340): SQEPNLENIW[Gly330=]QEAAEVDQEL

ClinVar aggregate classification (germline): Benign/Likely benign. Review status: criteria provided, multiple submitters, no conflicts (2 of 4 stars). 3 submissions from 3 submitters: Benign (1); Likely benign (1). 1 of the submissions does not count toward it. Last evaluated 2025-04-01.

Conditions:
RNF216-related disorder. Also called: RNF216-related condition.

Allele frequency attached by ClinVar (database versions not stated): gnomAD exomes 0.00005; ExAC 0.00018; ESP Exome Variant Server 0.00054; gnomAD 0.00060; TOPMed 0.00063; 1000 Genomes Project 0.00080; 1000 Genomes Project 30x 0.00109.

Submissions (3):

Labcorp Genetics (formerly Invitae), Labcorp
Classification: Benign. Last evaluated: 2025-04-01. Review status: criteria provided, single submitter. Criteria: Invitae Variant Classification Sherloc (09022015). Collection method: clinical testing. Allele origin: germline.

Blueprint Genetics
Classification: Likely benign. Last evaluated: 2024-06-28. Review status: criteria provided, single submitter. Criteria: ACMG Guidelines, 2015. Collection method: clinical testing. Allele origin: germline.

PreventionGenetics, part of Exact Sciences
Classification: Likely benign for RNF216-related condition. Last evaluated: 2023-10-13. Review status: no assertion criteria provided. Collection method: clinical testing. Allele origin: germline. Not counted in ClinVar's aggregate classification.
Comment: This variant is classified as likely benign based on ACMG/AMP sequence variant interpretation guidelines (Richards et al. 2015 PMID: 25741868, with internal and published modifications).